The following is an entry in ClinVar:

ClinVar aggregate classification (germline): Likely benign. Review status: criteria provided, multiple submitters, no conflicts (2 of 4 stars). 2 submissions from 2 submitters: Likely benign (2). Last evaluated 2026-08-01.

Allele frequency attached by ClinVar (database versions not stated): TOPMed below 0.00001; gnomAD 0.00001; ExAC 0.00002; gnomAD exomes 0.00002 and 0.00003; ESP Exome Variant Server 0.00008.
gnomAD v4.1: 25 of 1,613,770 alleles (0.0015%); highest among the groups gnomAD compares: South Asian, 0.0033%; no homozygotes.

Submissions (2):

CeGaT Center for Human Genetics Tuebingen
Classification: Likely benign. Last evaluated: 2026-08-01. Review status: criteria provided, single submitter. Criteria: CeGaT Center For Human Genetics Tuebingen Variant Classification Criteria Version 2. Collection method: clinical testing. Allele origin: germline. Affected: yes. Observed: 1 variant allele.
Comment: RAI1: BP4, BP7

Labcorp Genetics (formerly Invitae), Labcorp
Classification: Likely benign. Last evaluated: 2024-12-07. Review status: criteria provided, single submitter. Criteria: Invitae Variant Classification Sherloc (09022015). Collection method: clinical testing. Allele origin: germline.

NM_030665.4(RAI1):c.4086C>T (p.Ser1362=)

Gene: RAI1 (retinoic acid induced 1; plus strand). Cytogenetic location: 17p11.2.
Variant type: single nucleotide variant.
Coding change: c.4086C>T on transcript NM_030665.4 (MANE Select); coding-DNA position 4086, C replaced by T.
Protein change: p.Ser1362=; no amino-acid change (serine 1362 retained).
Molecular consequence: synonymous variant.
Genome position (GRCh38, 1-based): chr17:17,797,034, C>T. VCF-style: chr17-17797034-C-T. GRCh37 (hg19) VCF-style: chr17-17700348-C-T.
Identifiers: ClinVar variation 1604621 (VCV001604621.9), dbSNP rs150501706, ClinGen allele CA8418887.